The following is an entry in ClinVar:

NM_003982.4(SLC7A7):c.127G>A (p.Val43Met)

Gene: SLC7A7 (solute carrier family 7 member 7; minus strand). Cytogenetic location: 14q11.2.
Variant type: single nucleotide variant.
Coding change: c.127G>A on transcript NM_003982.4 (MANE Select); coding-DNA position 127, G replaced by A.
Protein change: p.Val43Met; replaces valine 43 with methionine.
Molecular consequence: missense variant.
Genome position (GRCh38, 1-based): chr14:22,813,272, C>T on the plus strand (G>A on the coding strand, the complement: SLC7A7 is on the minus strand). VCF-style: chr14-22813272-C-T. GRCh37 (hg19) VCF-style: chr14-23282481-C-T.
Other names: c.127G>A, p.Val43Met (NM_001126105.3, NM_001126106.4); short protein forms V43M.
Identifiers: ClinVar variation 2156851 (VCV002156851.2), dbSNP rs765382072, ClinGen allele CA7104753.

ClinVar aggregate classification (germline): Uncertain significance. Review status: criteria provided, multiple submitters, no conflicts (2 of 4 stars). 2 submissions from 2 submitters: Uncertain significance (2). Last evaluated 2024-04-12.

Conditions:
Lysinuric protein intolerance (LPI). Identifiers: Orphanet 470, MedGen C0268647, MONDO:0009109, OMIM 222700.

Allele frequency attached by ClinVar (database versions not stated): gnomAD exomes 0.00001; ExAC 0.00002; gnomAD 0.00002; TOPMed 0.00003.

Submissions (2):

Fulgent Genetics
Classification: Uncertain significance for Lysinuric protein intolerance. Last evaluated: 2024-04-12. Review status: criteria provided, single submitter. Criteria: ACMG Guidelines, 2015. Collection method: clinical testing. Allele origin: germline.

Labcorp Genetics (formerly Invitae), Labcorp
Classification: Uncertain significance for Lysinuric protein intolerance. Last evaluated: 2022-08-03. Review status: criteria provided, single submitter. Criteria: Invitae Variant Classification Sherloc (09022015). Collection method: clinical testing. Allele origin: germline.
Comment: This sequence change replaces valine, which is neutral and non-polar, with methionine, which is neutral and non-polar, at codon 43 of the SLC7A7 protein (p.Val43Met). This variant is present in population databases (rs765382072, gnomAD 0.006%). This variant has not been reported in the literature in individuals affected with SLC7A7-related conditions. Algorithms developed to predict the effect of missense changes on protein structure and function are either unavailable or do not agree on the potential impact of this missense change (SIFT: "Deleterious"; PolyPhen-2: "Probably Damaging"; Align-GVGD: "Class C0"). In summary, the available evidence is currently insufficient to determine the role of this variant in disease. Therefore, it has been classified as a Variant of Uncertain Significance.